The following is an entry in ClinVar:

NM_002180.3(IGHMBP2):c.1876del (p.Leu626fs)

Gene: IGHMBP2 (immunoglobulin mu DNA binding protein 2; plus strand). Cytogenetic location: 11q13.3.
Variant type: Deletion.
Coding change: c.1876del on transcript NM_002180.3 (MANE Select); coding-DNA position 1876, one base deleted (C; older notation c.1876delC).
Protein change: p.Leu626fs; shifts the reading frame from leucine 626.
Molecular consequence: frameshift variant.
Genome position (GRCh38, 1-based): chr11:68,936,356, C deleted; the last of 3 consecutive C bases (chr11:68,936,354-68,936,356); deleting any one gives the same sequence. VCF-style (leftmost placement, unchanged base first): chr11-68936353-AC-A. GRCh37 (hg19) VCF-style: chr11-68703821-AC-A.
Other names: short protein forms L626fs.
Identifiers: ClinVar variation 2945664 (VCV002945664.3), dbSNP rs2496070621, ClinGen allele CA2740093134.

ClinVar aggregate classification (germline): Pathogenic (1 of 4 stars; one submission).

Conditions:
Charcot-Marie-Tooth disease axonal type 2S. Also called: CHARCOT-MARIE-TOOTH DISEASE, AXONAL, AUTOSOMAL RECESSIVE, TYPE 2S; CHARCOT-MARIE-TOOTH NEUROPATHY, TYPE 2S. Identifiers: Orphanet 443073, MedGen C4015349, MONDO:0014511, OMIM 616155.
Autosomal recessive distal spinal muscular atrophy 1. Also called: HMN VI; NEURONOPATHY, SEVERE INFANTILE AXONAL, WITH RESPIRATORY FAILURE; SEVERE INFANTILE AXONAL NEUROPATHY WITH RESPIRATORY FAILURE; SPINAL MUSCULAR ATROPHY, DIAPHRAGMATIC; Spinal muscular atrophy with respiratory distress 1; NEURONOPATHY, DISTAL HEREDITARY MOTOR, HARDING TYPE VI. Identifiers: Orphanet 98920, MedGen C1858517, MONDO:0011436, OMIM 604320.

Submission:

Labcorp Genetics (formerly Invitae), Labcorp
Classification: Pathogenic for Autosomal recessive distal spinal muscular atrophy 1; Charcot-Marie-Tooth disease axonal type 2S. Last evaluated: 2023-03-22. Review status: criteria provided, single submitter. Criteria: Invitae Variant Classification Sherloc (09022015). Collection method: clinical testing. Allele origin: germline.
Comment: This sequence change creates a premature translational stop signal (p.Leu626Trpfs*107) in the IGHMBP2 gene. It is expected to result in an absent or disrupted protein product. Loss-of-function variants in IGHMBP2 are known to be pathogenic (PMID: 14681881, 25439726, 25568292). This variant is not present in population databases (gnomAD no frequency). This variant has not been reported in the literature in individuals affected with IGHMBP2-related conditions. For these reasons, this variant has been classified as Pathogenic.

Literature cited by the submitters: PubMed 14681881; PubMed 25439726; PubMed 25568292.